The following is an entry in ClinVar:

ClinVar aggregate classification (germline): Uncertain significance (1 of 4 stars; one submission).

Submission:

Dasa
Classification: Uncertain significance. Last evaluated: 2026-03-02. Review status: criteria provided, single submitter. Criteria: DASA Assertion Criteria. Collection method: clinical testing. Allele origin: germline.
Comment: NM_001145358.2(SIN3A):c.50A>G (p.Gln17Arg) is a missense variant that results in the substitution of glutamine with arginine. This variant is rare in population databases. Computational prediction algorithms are consistent with a benign effect. The currently available literature and clinical evidence are not sufficient to establish a definitive association between this variant and the reported condition. Therefore, this variant is classified as a variant of uncertain significance.

NM_001145358.2(SIN3A):c.50A>G (p.Gln17Arg)

Gene: SIN3A (SIN3 transcription regulator family member A; minus strand). Cytogenetic location: 15q24.2.
Variant type: single nucleotide variant.
Coding change: c.50A>G on transcript NM_001145358.2 (MANE Select); coding-DNA position 50, A replaced by G.
Protein change: p.Gln17Arg; replaces glutamine 17 with arginine.
Molecular consequence: missense variant.
Genome position (GRCh38, 1-based): chr15:75,430,326, T>C on the plus strand (A>G on the coding strand, the complement: SIN3A is on the minus strand). VCF-style: chr15-75430326-T-C. GRCh37 (hg19) VCF-style: chr15-75722667-T-C.
Other names: c.50A>G, p.Gln17Arg (NM_001145357.2, NM_001437462.1, NM_001437463.1 and 1 more transcripts); short protein forms Q17R.
Identifiers: ClinVar variation 4883051 (VCV004883051.2).